The following is an entry in ClinVar:

ClinVar aggregate classification (germline): Uncertain significance (1 of 4 stars; one submission).

Conditions:
Familial adenomatous polyposis 1 (FAP1). Also called: POLYPOSIS, ADENOMATOUS INTESTINAL; FAMILIAL ADENOMATOUS POLYPOSIS 1, ATTENUATED. Identifiers: MedGen C2713442, MONDO:0021056, OMIM 175100. Disease mechanism: loss of function.

Submission:

Labcorp Genetics (formerly Invitae), Labcorp
Classification: Uncertain significance for Familial adenomatous polyposis 1. Last evaluated: 2023-12-11. Review status: criteria provided, single submitter. Criteria: Invitae Variant Classification Sherloc (09022015). Collection method: clinical testing. Allele origin: germline.
Comment: This sequence change replaces methionine, which is neutral and non-polar, with lysine, which is basic and polar, at codon 314 of the APC protein (p.Met314Lys). This variant is not present in population databases (gnomAD no frequency). This variant has not been reported in the literature in individuals affected with APC-related conditions. Advanced modeling of protein sequence and biophysical properties (such as structural, functional, and spatial information, amino acid conservation, physicochemical variation, residue mobility, and thermodynamic stability) performed at Invitae indicates that this missense variant is not expected to disrupt APC protein function with a negative predictive value of 95%. In summary, the available evidence is currently insufficient to determine the role of this variant in disease. Therefore, it has been classified as a Variant of Uncertain Significance.

NM_000038.6(APC):c.941T>A (p.Met314Lys)

Gene: APC (APC regulator of Wnt signaling pathway; plus strand). Cytogenetic location: 5q22.2.
Variant type: single nucleotide variant.
Coding change: c.941T>A on transcript NM_000038.6 (MANE Select); coding-DNA position 941, T replaced by A.
Protein change: p.Met314Lys; replaces methionine 314 with lysine.
Molecular consequence: missense variant. On other transcripts: non-coding transcript variant (2), intron variant (15).
Genome position (GRCh38, 1-based): chr5:112,818,973, T>A. VCF-style: chr5-112818973-T-A. GRCh37 (hg19) VCF-style: chr5-112154670-T-A.
Other names: c.941T>A, p.Met314Lys (NM_001354896.2, NM_001407448.1, NM_001407447.1 and 4 more transcripts); c.971T>A, p.Met324Lys (NM_001354897.2, NM_001407446.1); c.866T>A, p.Met289Lys (NM_001354898.2, NM_001407451.1); c.857T>A, p.Met286Lys (NM_001354899.2, NM_001407452.1); c.764T>A, p.Met255Lys (NM_001354900.2, NM_001354901.2, NM_001407453.1); c.92T>A, p.Met31Lys (NM_001354906.2, NM_001407470.1); c.887T>A, p.Met296Lys (NM_001127511.3); c.85-296T>A (NM_001407472.1, NM_001407471.1); and 5 more; short protein forms M286K, M289K, M314K, M324K, M255K, M296K, M31K.
Identifiers: ClinVar variation 2702159 (VCV002702159.3), dbSNP rs2533034134, ClinGen allele CA16023368.